The following is an entry in ClinVar:

NM_000143.4(FH):c.71C>G (p.Ser24Trp)

Gene: FH (fumarate hydratase; minus strand). Cytogenetic location: 1q43.
Variant type: single nucleotide variant.
Coding change: c.71C>G on transcript NM_000143.4 (MANE Select); coding-DNA position 71, C replaced by G.
Protein change: p.Ser24Trp; replaces serine 24 with tryptophan.
Molecular consequence: missense variant.
Genome position (GRCh38, 1-based): chr1:241,519,652, G>C on the plus strand (C>G on the coding strand, the complement: FH is on the minus strand). VCF-style: chr1-241519652-G-C. GRCh37 (hg19) VCF-style: chr1-241682952-G-C.
Other names: short protein forms S24W.
Identifiers: ClinVar variation 134414 (VCV000134414.1), dbSNP rs587778361, ClinGen allele CA159737.
Genomic context (GRCh38, chr1:241,519,652, plus strand): 5'-ATTCGAGCCGCGTTCGGAGGCCAAAACGAGGGCACGGCCGCGCCACCCAAGCCGGGAGCC[G>C]AAGCTAAGGCTGCGGCTGGAGCCCGCACGAGGGGACGCGAGCGCGCGAGGAGCCGAAGTG-3'
Protein context (NP_000134.2, residues 14-34): LVRAPAAALA[Ser24Trp]APGLGGAAVP

ClinVar aggregate classification (germline): not provided (0 of 4 stars; one submission).

Submission:

ITMI
No classification provided. Condition: AllHighlyPenetrant. Last evaluated: 2013-09-19. Review status: no classification provided. Collection method: reference population. Allele origin: germline.
Comment: Please see associated publication for description of ethnicities

Literature cited by the submitters: PubMed 24728327.